The following is an entry in ClinVar:

ClinVar aggregate classification (germline): Uncertain significance. Review status: criteria provided, multiple submitters, no conflicts (2 of 4 stars). 2 submissions from 2 submitters: Uncertain significance (2). Last evaluated 2026-01-22.

Conditions:
Dilated cardiomyopathy 1DD (CMD1DD). Identifiers: Orphanet 154, MedGen C2750995, MONDO:0013168, OMIM 613172.
Cardiovascular phenotype. Identifiers: MedGen CN230736.

Allele frequency attached by ClinVar (database versions not stated): TOPMed below 0.00001; gnomAD 0.00001.

Submissions (2):

Ambry Genetics
Classification: Uncertain significance for Cardiovascular phenotype. Last evaluated: 2026-01-22. Review status: criteria provided, single submitter. Criteria: Ambry Variant Classification Scheme 2023. Collection method: clinical testing. Allele origin: germline.
Comment: The c.192-3C>T intronic variant results from a C to T substitution 3 nucleotides before coding exon 2 in the RBM20 gene. This variant was reported in individual(s) with features consistent with left ventricular hypertrabeculation (Miszalski-Jamka K et al. Circ Cardiovasc Genet, 2017 Aug;10). This nucleotide position is highly conserved in available vertebrate species. In silico splice site analysis for this alteration is inconclusive. Based on the available evidence, the clinical significance of this variant remains unclear.

Labcorp Genetics (formerly Invitae), Labcorp
Classification: Uncertain significance for Dilated cardiomyopathy 1DD. Last evaluated: 2024-06-03. Review status: criteria provided, single submitter. Criteria: Invitae Variant Classification Sherloc (09022015). Collection method: clinical testing. Allele origin: germline.
Comment: This sequence change falls in intron 1 of the RBM20 gene. It does not directly change the encoded amino acid sequence of the RBM20 protein. It affects a nucleotide within the consensus splice site. This variant is not present in population databases (gnomAD no frequency). This variant has been observed in individual(s) with left ventricular hypertrabeculation (PMID: 28798025). Variants that disrupt the consensus splice site are a relatively common cause of aberrant splicing (PMID: 17576681, 9536098). Algorithms developed to predict the effect of sequence changes on RNA splicing suggest that this variant may disrupt the consensus splice site. In summary, the available evidence is currently insufficient to determine the role of this variant in disease. Therefore, it has been classified as a Variant of Uncertain Significance.

Literature cited by the submitters: PubMed 28798025 (cited by Ambry Genetics and Labcorp Genetics (formerly Invitae), Labcorp); PubMed 17576681 (cited by Labcorp Genetics (formerly Invitae), Labcorp); PubMed 9536098 (cited by Labcorp Genetics (formerly Invitae), Labcorp).

NM_001134363.3(RBM20):c.192-3C>T

Gene: RBM20 (RNA binding motif protein 20; plus strand). Cytogenetic location: 10q25.2.
Variant type: single nucleotide variant.
Coding change: c.192-3C>T on transcript NM_001134363.3 (MANE Select); 3 bases into the intron before coding-DNA position 192, C replaced by T.
Molecular consequence: intron variant.
Genome position (GRCh38, 1-based): chr10:110,780,798, C>T. VCF-style: chr10-110780798-C-T. GRCh37 (hg19) VCF-style: chr10-112540556-C-T.
Other names: c.192-3C>T (NM_001134363.1).
Identifiers: ClinVar variation 2735490 (VCV002735490.4), dbSNP rs1844327482, ClinGen allele CA932523076.